The following is an entry in ClinVar:

NM_007294.3(BRCA1):c.-1457G>C

Genes: BRCA1 (BRCA1 DNA repair associated; minus strand), NBR2 (neighbor of BRCA1 lncRNA 2; plus strand), LOC111589215 (BRCA1 promoter region; plus strand). Cytogenetic location: 17q21.31.
Variant type: single nucleotide variant.
Coding change: c.-1457G>C on transcript NM_007294.3; 1457 bases upstream of the start codon, G replaced by C.
Molecular consequence: intron variant (on NM_001408458.1).
Genome position (GRCh38, 1-based): chr17:43,126,708, C>G on the plus strand (G>C on the coding strand, the complement: BRCA1 is on the minus strand). VCF-style: chr17-43126708-C-G. GRCh37 (hg19) VCF-style: chr17-41278725-C-G.
Other names: -1338 G>C; c.-61-10929G>C (NM_001408458.1).
Identifiers: ClinVar variation 209584 (VCV000209584.3), dbSNP rs799907, ClinGen allele CA276553.

ClinVar aggregate classification (germline): Benign (3 of 4 stars; one submission).

Conditions:
Breast-ovarian cancer, familial, susceptibility to, 1 (BROVCA1). Also called: OVARIAN CANCER, SUSCEPTIBILITY TO; BRCA1 Hereditary Breast and Ovarian Cancer. Identifiers: Orphanet 145, MedGen C2676676, MONDO:0011450, OMIM 604370. Disease mechanism: loss of function.

Allele frequency attached by ClinVar (database versions not stated): gnomAD 0.13646; TOPMed 0.15270; 1000 Genomes Project 0.14916; 1000 Genomes Project 30x 0.15678.
gnomAD v4.1: 20,557 of 152,258 alleles (14%); highest among the groups gnomAD compares: African/African-American, 45%; 4,391 homozygotes.

Submission:

Evidence-based Network for the Interpretation of Germline Mutant Alleles (ENIGMA)
Classification: Benign for Breast-ovarian cancer, familial 1. Last evaluated: 2015-01-12. Review status: reviewed by expert panel. Criteria: ENIGMA BRCA1/2 Classification Criteria (2015). Collection method: curation. Allele origin: germline.
Comment: Class 1 not pathogenic based on frequency >1% in an outbred sampleset. Frequency 0.5 (African), derived from 1000 genomes (2012-04-30).